The following is an entry in ClinVar:

ClinVar aggregate classification (germline): Uncertain significance (1 of 4 stars; one submission).

Submission:

Labcorp Genetics (formerly Invitae), Labcorp
Classification: Uncertain significance. Last evaluated: 2024-11-27. Review status: criteria provided, single submitter. Criteria: Invitae Variant Classification Sherloc (09022015). Collection method: clinical testing. Allele origin: germline.
Comment: This sequence change affects codon 246 of the OR2W3 mRNA. It is a 'silent' change, meaning that it does not change the encoded amino acid sequence of the OR2W3 protein. This variant is not present in population databases (gnomAD no frequency). This variant has not been reported in the literature in individuals affected with OR2W3-related conditions. In summary, the available evidence is currently insufficient to determine the role of this variant in disease. Therefore, it has been classified as a Variant of Uncertain Significance.

NM_001001957.2(OR2W3):c.738T>C (p.Thr246=)

Gene: OR2W3 (olfactory receptor family 2 subfamily W member 3; plus strand). Cytogenetic location: 1q44.
Variant type: single nucleotide variant.
Coding change: c.738T>C on transcript NM_001001957.2 (MANE Select); coding-DNA position 738, T replaced by C.
Protein change: p.Thr246=; no amino-acid change (threonine 246 retained).
Molecular consequence: synonymous variant.
Genome position (GRCh38, 1-based): chr1:247,896,324, T>C. VCF-style: chr1-247896324-T-C. GRCh37 (hg19) VCF-style: chr1-248059626-T-C.
Identifiers: ClinVar variation 3726138 (VCV003726138.2).